The following is an entry in ClinVar:

ClinVar aggregate classification (germline): Uncertain significance (1 of 4 stars; one submission).

Submission:

GeneDx
Classification: Uncertain significance. Last evaluated: 2025-08-05. Review status: criteria provided, single submitter. Criteria: GeneDx Variant Classification Process June 2021. Collection method: clinical testing. Allele origin: germline. Affected: yes.
Comment: Not observed at significant frequency in large population cohorts (gnomAD); In silico analysis suggests that this missense variant does not alter protein structure/function; Has not been previously published as pathogenic or benign to our knowledge

NM_014908.4(DOLK):c.651A>T (p.Glu217Asp)

Gene: DOLK (dolichol kinase; minus strand). Cytogenetic location: 9q34.11.
Variant type: single nucleotide variant.
Coding change: c.651A>T on transcript NM_014908.4 (MANE Select); coding-DNA position 651, A replaced by T.
Protein change: p.Glu217Asp; replaces glutamic acid 217 with aspartic acid.
Molecular consequence: missense variant.
Genome position (GRCh38, 1-based): chr9:128,946,653, T>A on the plus strand (A>T on the coding strand, the complement: DOLK is on the minus strand). VCF-style: chr9-128946653-T-A. GRCh37 (hg19) VCF-style: chr9-131708932-T-A.
Other names: short protein forms E217D.
Identifiers: ClinVar variation 4755745 (VCV004755745.1).